The following is an entry in ClinVar:

ClinVar aggregate classification (germline): Uncertain significance (1 of 4 stars; one submission).

Conditions:
RASopathy. Also called: Noonan spectrum disorder; rasopathies. Identifiers: Orphanet 536391, MedGen C5555857, MONDO:0021060.

Submission:

Labcorp Genetics (formerly Invitae), Labcorp
Classification: Uncertain significance for RASopathy. Last evaluated: 2021-08-24. Review status: criteria provided, single submitter. Criteria: Invitae Variant Classification Sherloc (09022015). Collection method: clinical testing. Allele origin: germline.
Comment: This variant is not present in population databases (ExAC no frequency). This sequence change replaces valine with leucine at codon 784 of the CBL protein (p.Val784Leu). The valine residue is weakly conserved and there is a small physicochemical difference between valine and leucine. This variant has not been reported in the literature in individuals affected with CBL-related conditions. In summary, the available evidence is currently insufficient to determine the role of this variant in disease. Therefore, it has been classified as a Variant of Uncertain Significance. Advanced modeling of protein sequence and biophysical properties (such as structural, functional, and spatial information, amino acid conservation, physicochemical variation, residue mobility, and thermodynamic stability) performed at Invitae indicates that this missense variant is not expected to disrupt CBL protein function.

NM_005188.4(CBL):c.2350G>C (p.Val784Leu)

Gene: CBL (Cbl proto-oncogene; plus strand). Cytogenetic location: 11q23.3.
Variant type: single nucleotide variant.
Coding change: c.2350G>C on transcript NM_005188.4 (MANE Select); coding-DNA position 2350, G replaced by C.
Protein change: p.Val784Leu; replaces valine 784 with leucine.
Molecular consequence: missense variant.
Genome position (GRCh38, 1-based): chr11:119,298,456, G>C. VCF-style: chr11-119298456-G-C. GRCh37 (hg19) VCF-style: chr11-119169166-G-C.
Other names: short protein forms V784L.
Identifiers: ClinVar variation 1486006 (VCV001486006.6), dbSNP rs140725852, ClinGen allele CA382929592.